The following is an entry in ClinVar:

ClinVar aggregate classification (germline): Uncertain significance. Review status: criteria provided, multiple submitters, no conflicts (2 of 4 stars). 2 submissions from 2 submitters: Uncertain significance (2). Last evaluated 2025-12-11.

Conditions:
Inborn genetic diseases. Identifiers: MedGen C0950123, MeSH D030342.

gnomAD v4.1: 4 of 1,614,138 alleles (0.00025%); highest among the groups gnomAD compares: Admixed American, 0.005%; no homozygotes.

Submissions (2):

Ambry Genetics
Classification: Uncertain significance for Inborn genetic diseases. Last evaluated: 2025-12-11. Review status: criteria provided, single submitter. Criteria: Ambry Variant Classification Scheme 2023. Collection method: clinical testing. Allele origin: germline.

GeneDx
Classification: Uncertain significance. Last evaluated: 2023-07-06. Review status: criteria provided, single submitter. Criteria: GeneDx Variant Classification Process June 2021. Collection method: clinical testing. Allele origin: germline. Affected: yes.
Comment: Not observed at significant frequency in large population cohorts (gnomAD); In silico analysis supports that this missense variant does not alter protein structure/function; Has not been previously published as pathogenic or benign to our knowledge

NM_017654.4(SAMD9):c.236T>C (p.Ile79Thr)

Gene: SAMD9 (sterile alpha motif domain containing 9; minus strand). Cytogenetic location: 7q21.2.
Variant type: single nucleotide variant.
Coding change: c.236T>C on transcript NM_017654.4 (MANE Select); coding-DNA position 236, T replaced by C.
Protein change: p.Ile79Thr; replaces isoleucine 79 with threonine.
Molecular consequence: missense variant.
Genome position (GRCh38, 1-based): chr7:93,105,862, A>G on the plus strand (T>C on the coding strand, the complement: SAMD9 is on the minus strand). VCF-style: chr7-93105862-A-G. GRCh37 (hg19) VCF-style: chr7-92735175-A-G.
Other names: c.236T>C, p.Ile79Thr (NM_001193307.2); short protein forms I79T.
Identifiers: ClinVar variation 3360820 (VCV003360820.3).
Genomic context (GRCh38, chr7:93,105,862, plus strand): 5'-TGGTCTTTAGGAGCATTTTTACTGGGCTTTCCCATCTTAGATGTCTGAATCGAATCTTCA[A>G]TGGCTGTTTTCCGCAATTCTTTGAATAGTTCTTCTATTTGAATAGCTGGTCCATGTGTGA-3'
Protein context (NP_060124.2, residues 69-89): ELFKELRKTA[Ile79Thr]EDSIQTSKMG